The following is an entry in ClinVar:

NM_018979.4(WNK1):c.7058C>A (p.Pro2353His)

Gene: WNK1 (WNK lysine deficient protein kinase 1; plus strand). Cytogenetic location: 12p13.33.
Variant type: single nucleotide variant.
Coding change: c.7058C>A on transcript NM_018979.4 (MANE Select); coding-DNA position 7058, C replaced by A.
Protein change: p.Pro2353His; replaces proline 2353 with histidine.
Molecular consequence: missense variant.
Genome position (GRCh38, 1-based): chr12:908,701, C>A. VCF-style: chr12-908701-C-A. GRCh37 (hg19) VCF-style: chr12-1017867-C-A.
Other names: c.7838C>A, p.Pro2613His (NM_001184985.2); c.6314C>A, p.Pro2105His (NM_014823.3); c.7814C>A, p.Pro2605His (NM_213655.5); short protein forms P2613H, P2353H, P2105H, P2605H.
Identifiers: ClinVar variation 647540 (VCV000647540.9), dbSNP rs375566748, ClinGen allele CA6383559.

ClinVar aggregate classification (germline): Uncertain significance. Review status: criteria provided, multiple submitters, no conflicts (2 of 4 stars). 2 submissions from 2 submitters: Uncertain significance (2). Last evaluated 2026-01-03.

Conditions:
Neuropathy, hereditary sensory and autonomic, type 2A (HSAN2A). Also called: WNK1-Related HSAN2 (HSAN2A); ACROOSTEOLYSIS, GIACCAI TYPE; ACROOSTEOLYSIS, NEUROGENIC; HSAN IIA; MORVAN DISEASE; NEUROPATHY, CONGENITAL SENSORY. Identifiers: Orphanet 970, MedGen C2752089, MONDO:0024309, OMIM 201300.
Pseudohypoaldosteronism type 2C (PHA2C). Also called: Pseudohypoaldosteronism Type IIC. Identifiers: Orphanet 757, Orphanet 88940, MedGen C1840391, MONDO:0013778, OMIM 614492.

Allele frequency attached by ClinVar (database versions not stated): gnomAD 0.00001; gnomAD exomes 0.00001 and 0.00003; ExAC 0.00003; TOPMed 0.00004; ESP Exome Variant Server 0.00008.

Submissions (2):

Labcorp Genetics (formerly Invitae), Labcorp
Classification: Uncertain significance for Neuropathy, hereditary sensory and autonomic, type 2A; Pseudohypoaldosteronism type 2C. Last evaluated: 2026-01-03. Review status: criteria provided, single submitter. Criteria: Invitae Variant Classification Sherloc (09022015). Collection method: clinical testing. Allele origin: germline.
Comment: This sequence change replaces proline, which is neutral and non-polar, with histidine, which is basic and polar, at codon 2605 of the WNK1 protein (p.Pro2605His). This variant is present in population databases (rs375566748, gnomAD 0.01%). This variant has not been reported in the literature in individuals affected with WNK1-related conditions. ClinVar contains an entry for this variant (Variation ID: 647540). Invitae Evidence Modeling of protein sequence and biophysical properties (such as structural, functional, and spatial information, amino acid conservation, physicochemical variation, residue mobility, and thermodynamic stability) indicates that this missense variant is not expected to disrupt WNK1 protein function with a negative predictive value of 95%. In summary, the available evidence is currently insufficient to determine the role of this variant in disease. Therefore, it has been classified as a Variant of Uncertain Significance.

Fulgent Genetics
Classification: Uncertain significance for Neuropathy, hereditary sensory and autonomic, type 2A; Pseudohypoaldosteronism type 2C. Last evaluated: 2022-04-24. Review status: criteria provided, single submitter. Criteria: ACMG Guidelines, 2015. Collection method: clinical testing. Allele origin: unknown.